The following is an entry in ClinVar:

ClinVar aggregate classification (germline): Uncertain significance (1 of 4 stars; one submission).

Submission:

Ambry Genetics
Classification: Uncertain significance. Last evaluated: 2023-10-28. Review status: criteria provided, single submitter. Criteria: Ambry Variant Classification Scheme 2023. Collection method: clinical testing. Allele origin: germline.
Comment: The p.F365S variant (also known as c.1094T>C), located in coding exon 6 of the GALNT12 gene, results from a T to C substitution at nucleotide position 1094. The phenylalanine at codon 365 is replaced by serine, an amino acid with highly dissimilar properties. This amino acid position is conserved. In addition, this alteration is predicted to be deleterious by in silico analysis. Since supporting evidence is limited at this time, the clinical significance of this alteration remains unclear.

NM_024642.5(GALNT12):c.1094T>C (p.Phe365Ser)

Gene: GALNT12 (polypeptide N-acetylgalactosaminyltransferase 12; plus strand). Cytogenetic location: 9q22.33.
Variant type: single nucleotide variant.
Coding change: c.1094T>C on transcript NM_024642.5 (MANE Select); coding-DNA position 1094, T replaced by C.
Protein change: p.Phe365Ser; replaces phenylalanine 365 with serine.
Molecular consequence: missense variant.
Genome position (GRCh38, 1-based): chr9:98,837,030, T>C. VCF-style: chr9-98837030-T-C. GRCh37 (hg19) VCF-style: chr9-101599312-T-C.
Other names: short protein forms F365S.
Identifiers: ClinVar variation 3227897 (VCV003227897.1), dbSNP rs2490532946, ClinGen allele CA374219779.